The following is an entry in ClinVar:

ClinVar aggregate classification (germline): Uncertain significance. Review status: criteria provided, multiple submitters, no conflicts (2 of 4 stars). 3 submissions from 3 submitters: Uncertain significance (3). Last evaluated 2025-03-12.

Conditions:
Spastic paraplegia. Identifiers: MedGen C0037772, HP:0001258.
Inborn genetic diseases. Identifiers: MedGen C0950123, MeSH D030342.

gnomAD v4.1: 55 of 1,613,858 alleles (0.0034%); highest among the groups gnomAD compares: Admixed American, 0.035%; no homozygotes.

Submissions (3):

Labcorp Genetics (formerly Invitae), Labcorp
Classification: Uncertain significance for Spastic paraplegia. Last evaluated: 2025-03-12. Review status: criteria provided, single submitter. Criteria: Invitae Variant Classification Sherloc (09022015). Collection method: clinical testing. Allele origin: germline.
Comment: This sequence change replaces threonine, which is neutral and polar, with arginine, which is basic and polar, at codon 33 of the AP4S1 protein (p.Thr33Arg). This variant is present in population databases (rs763713689, gnomAD 0.05%). This variant has not been reported in the literature in individuals affected with AP4S1-related conditions. ClinVar contains an entry for this variant (Variation ID: 1305682). An algorithm developed to predict the effect of missense changes on protein structure and function (PolyPhen-2) suggests that this variant is likely to be disruptive. In summary, the available evidence is currently insufficient to determine the role of this variant in disease. Therefore, it has been classified as a Variant of Uncertain Significance.

Ambry Genetics
Classification: Uncertain significance for Inborn genetic diseases. Last evaluated: 2024-07-30. Review status: criteria provided, single submitter. Criteria: Ambry Variant Classification Scheme 2023. Collection method: clinical testing. Allele origin: germline.

GeneDx
Classification: Uncertain significance. Last evaluated: 2019-05-07. Review status: criteria provided, single submitter. Criteria: GeneDx Variant Classification Process June 2021. Collection method: clinical testing. Allele origin: germline. Affected: yes.
Comment: In silico analysis, which includes protein predictors and evolutionary conservation, supports that this variant does not alter protein structure/function; Has not been previously published as pathogenic or benign to our knowledge

NM_001128126.3(AP4S1):c.98C>G (p.Thr33Arg)

Gene: AP4S1 (adaptor related protein complex 4 subunit sigma 1; plus strand). Cytogenetic location: 14q12.
Variant type: single nucleotide variant.
Coding change: c.98C>G on transcript NM_001128126.3 (MANE Select); coding-DNA position 98, C replaced by G.
Protein change: p.Thr33Arg; replaces threonine 33 with arginine.
Molecular consequence: missense variant.
Genome position (GRCh38, 1-based): chr14:31,066,294, C>G. VCF-style: chr14-31066294-C-G. GRCh37 (hg19) VCF-style: chr14-31535500-C-G.
Other names: c.98C>G, p.Thr33Arg (NM_001254726.2, NM_001254727.2, NM_001254728.2 and 2 more transcripts); c.98C>G (NM_007077.3); short protein forms T33R.
Identifiers: ClinVar variation 1305682 (VCV001305682.6), dbSNP rs763713689, ClinGen allele CA7144140.